The following is an entry in ClinVar:

ClinVar aggregate classification (germline): Uncertain significance. Review status: criteria provided, multiple submitters, no conflicts (2 of 4 stars). 5 submissions from 5 submitters: Uncertain significance (5). Last evaluated 2025-12-30.

Conditions:
Nephronophthisis 9 (NPHP9). Identifiers: Orphanet 655, MedGen C3151188, MONDO:0013444, OMIM 613824.
Polycystic kidney disease 8. Identifiers: MedGen C5935640, MONDO:0971178, OMIM 620903.
Renal-hepatic-pancreatic dysplasia 2 (RHPD2). Identifiers: MedGen C3809434, MONDO:0014174, OMIM 615415.

Allele frequency attached by ClinVar (database versions not stated): 1000 Genomes Project 30x 0.00016; 1000 Genomes Project 0.00020; TOPMed 0.00007; ESP Exome Variant Server 0.00008; ExAC 0.00009; gnomAD exomes 0.00009 and 0.00012; gnomAD 0.00014.
gnomAD v4.1: 148 of 1,614,108 alleles (0.0092%); highest among the groups gnomAD compares: Non-Finnish European, 0.009%; no homozygotes.

Submissions (5):

Labcorp Genetics (formerly Invitae), Labcorp
Classification: Uncertain significance for Nephronophthisis 9. Last evaluated: 2025-12-30. Review status: criteria provided, single submitter. Criteria: Invitae Variant Classification Sherloc (09022015). Collection method: clinical testing. Allele origin: germline.
Comment: This sequence change replaces glycine, which is neutral and non-polar, with serine, which is neutral and polar, at codon 416 of the NEK8 protein (p.Gly416Ser). This variant is present in population databases (rs199823733, gnomAD 0.05%). This missense change has been observed in individual(s) with syndromic renal cystic dysplasia (PMID: 26967905). ClinVar contains an entry for this variant (Variation ID: 650630). An algorithm developed to predict the effect of missense changes on protein structure and function (PolyPhen-2) suggests that this variant is likely to be disruptive. In summary, the available evidence is currently insufficient to determine the role of this variant in disease. Therefore, it has been classified as a Variant of Uncertain Significance.

Blueprint Genetics
Classification: Uncertain significance. Last evaluated: 2024-11-26. Review status: criteria provided, single submitter. Criteria: ACMG Guidelines, 2015. Collection method: clinical testing. Allele origin: germline.

CeGaT Center for Human Genetics Tuebingen
Classification: Uncertain significance. Last evaluated: 2024-08-01. Review status: criteria provided, single submitter. Criteria: CeGaT Center For Human Genetics Tuebingen Variant Classification Criteria Version 2. Collection method: clinical testing. Allele origin: germline. Affected: yes. Observed: 2 variant alleles.
Comment: NEK8: PM2, PP3

Fulgent Genetics
Classification: Uncertain significance for Nephronophthisis 9; Renal-hepatic-pancreatic dysplasia 2; Polycystic kidney disease 8. Last evaluated: 2024-02-15. Review status: criteria provided, single submitter. Criteria: ACMG Guidelines, 2015. Collection method: clinical testing. Allele origin: germline.

Illumina Laboratory Services, Illumina
Classification: Uncertain significance for Nephronophthisis 9. Last evaluated: 2017-09-07. Review status: criteria provided, single submitter. Criteria: ICSL Variant Classification Criteria 13 December 2019. Collection method: clinical testing. Allele origin: germline.
Comment: This variant was observed as part of a predisposition screen in an ostensibly healthy population. A literature search was performed for the gene, cDNA change, and amino acid change (where applicable). Publications were found based on this search. However, the evidence from the literature, in combination with allele frequency data from public databases where available, was not sufficient to rule this variant in or out of causing disease. Therefore, this variant is classified as a variant of unknown significance.

Literature cited by the submitters: PubMed 26967905 (cited by Labcorp Genetics (formerly Invitae), Labcorp and Illumina Laboratory Services, Illumina).

NM_178170.3(NEK8):c.1246G>A (p.Gly416Ser)

Gene: NEK8 (NIMA related kinase 8; plus strand). Cytogenetic location: 17q11.2.
Variant type: single nucleotide variant.
Coding change: c.1246G>A on transcript NM_178170.3 (MANE Select); coding-DNA position 1246, G replaced by A.
Protein change: p.Gly416Ser; replaces glycine 416 with serine.
Molecular consequence: missense variant.
Genome position (GRCh38, 1-based): chr17:28,738,694, G>A. VCF-style: chr17-28738694-G-A. GRCh37 (hg19) VCF-style: chr17-27065712-G-A.
Other names: short protein forms G416S.
Identifiers: ClinVar variation 650630 (VCV000650630.34), dbSNP rs199823733, ClinGen allele CA8467365.